The following is an entry in ClinVar:

NM_001040142.2(SCN2A):c.5843A>T (p.Asp1948Val)

Gene: SCN2A (sodium voltage-gated channel alpha subunit 2; plus strand). Cytogenetic location: 2q24.3.
Variant type: single nucleotide variant.
Coding change: c.5843A>T on transcript NM_001040142.2 (MANE Select); coding-DNA position 5843, A replaced by T.
Protein change: p.Asp1948Val; replaces aspartic acid 1948 with valine.
Molecular consequence: missense variant.
Genome position (GRCh38, 1-based): chr2:165,389,649, A>T. VCF-style: chr2-165389649-A-T. GRCh37 (hg19) VCF-style: chr2-166246159-A-T.
Other names: c.5843A>T, p.Asp1948Val (NM_001040143.2, NM_001371246.1, NM_001371247.1 and 1 more transcripts); short protein forms D1948V.
Identifiers: ClinVar variation 424330 (VCV000424330.3), dbSNP rs770684740, ClinGen allele CA1940436.

ClinVar aggregate classification (germline): Uncertain significance (1 of 4 stars; one submission).

Allele frequency attached by ClinVar (database versions not stated): gnomAD exomes below 0.00001; ExAC 0.00001; gnomAD 0.00002; TOPMed 0.00002.
gnomAD v4.1: 3 of 1,613,638 alleles (0.00019%); highest among the groups gnomAD compares: African/African-American, 0.004%; no homozygotes.

Submission:

GeneDx
Classification: Uncertain significance. Last evaluated: 2025-09-28. Review status: criteria provided, single submitter. Criteria: GeneDx Variant Classification Process June 2021. Collection method: clinical testing. Allele origin: germline. Affected: yes.
Comment: Not observed at significant frequency in large population cohorts (gnomAD); In silico analysis supports that this missense variant has a deleterious effect on protein structure/function; Has not been previously published as pathogenic or benign to our knowledge; This substitution is predicted to be within the C-terminal cytoplasmic domain